The following is an entry in ClinVar:

ClinVar aggregate classification (germline): Likely benign. Review status: criteria provided, multiple submitters, no conflicts (2 of 4 stars). 2 submissions from 2 submitters: Likely benign (2). Last evaluated 2025-12-26.

Conditions:
Nephronophthisis 15 (NPHP15). Identifiers: Orphanet 3156, MedGen C3541853, MONDO:0013917, OMIM 614845.
CEP164-related disorder. Also called: CEP164-related condition.

Allele frequency attached by ClinVar (database versions not stated): TOPMed 0.00001.

Submissions (2):

Labcorp Genetics (formerly Invitae), Labcorp
Classification: Likely benign for Nephronophthisis 15. Last evaluated: 2025-12-26. Review status: criteria provided, single submitter. Criteria: Invitae Variant Classification Sherloc (09022015). Collection method: clinical testing. Allele origin: germline.

PreventionGenetics, part of Exact Sciences
Classification: Likely benign for CEP164-related condition. Last evaluated: 2024-10-11. Review status: criteria provided, single submitter. Criteria: ACMG Guidelines, 2015. Collection method: clinical testing. Allele origin: germline.
Comment: This variant is classified as likely benign based on ACMG/AMP sequence variant interpretation guidelines (Richards et al. 2015 PMID: 25741868, with internal and published modifications).

NM_014956.5(CEP164):c.942G>A (p.Glu314=)

Gene: CEP164 (centrosomal protein 164; plus strand). Cytogenetic location: 11q23.3.
Variant type: single nucleotide variant.
Coding change: c.942G>A on transcript NM_014956.5 (MANE Select); coding-DNA position 942, G replaced by A.
Protein change: p.Glu314=; no amino-acid change (glutamic acid 314 retained).
Molecular consequence: synonymous variant.
Genome position (GRCh38, 1-based): chr11:117,371,256, G>A. VCF-style: chr11-117371256-G-A. GRCh37 (hg19) VCF-style: chr11-117241972-G-A.
Other names: c.942G>A (NM_014956.4); c.942G>A, p.Glu314= (NM_001271933.2).
Identifiers: ClinVar variation 1573386 (VCV001573386.9), dbSNP rs2042169087, ClinGen allele CA477051217.
Genomic context (GRCh38, chr11:117,371,256, plus strand): 5'-CAGTGCTGTTGGCAAAGGGCGACAGGGAAGTGGAGCAAGACCTGGTCTTCCAGAAAAAGA[G>A]GAAAATGAGAAGAGTGAACCTAAGATTTGCAGGAATCTGGTGACCCCCAAGGCAGACCCT-3'
Protein context (NP_055771.4, residues 304-324): SGARPGLPEK[Glu314=]ENEKSEPKIC